The following is an entry in ClinVar:

ClinVar aggregate classification (germline): Pathogenic (1 of 4 stars; one submission).

Conditions:
GTP cyclohydrolase I deficiency. Identifiers: MedGen C0268467, MONDO:0100184.
Dystonia 5 (DRD). Also called: DYT-GCH1; DYSTONIA, PROGRESSIVE, WITH DIURNAL VARIATION; DYSTONIA-PARKINSONISM WITH DIURNAL FLUCTUATION; Dystonia, DOPA-responsive, with or without hyperphenylalaninemia; GTP Cyclohydrolase 1-Deficient Dopa-Responsive Dystonia. Identifiers: Orphanet 98808, MedGen C1851920, MONDO:0007495, OMIM 128230.

Submission:

Labcorp Genetics (formerly Invitae), Labcorp
Classification: Pathogenic for GTP cyclohydrolase I deficiency; Dystonia 5. Last evaluated: 2025-11-24. Review status: criteria provided, single submitter. Criteria: Invitae Variant Classification Sherloc (09022015). Collection method: clinical testing. Allele origin: germline.
Comment: This sequence change creates a premature translational stop signal (p.Ser100*) in the GCH1 gene. It is expected to result in an absent or disrupted protein product. Loss-of-function variants in GCH1 are known to be pathogenic (PMID: 9667588, 19332422, 19491146, 25557619). This variant is not present in population databases (gnomAD no frequency). This variant has not been reported in the literature in individuals affected with GCH1-related conditions. For these reasons, this variant has been classified as Pathogenic.

Literature cited by the submitters: PubMed 9667588; PubMed 19332422; PubMed 19491146; PubMed 25557619.

NM_000161.3(GCH1):c.299C>A (p.Ser100Ter)

Gene: GCH1 (GTP cyclohydrolase 1; minus strand). Cytogenetic location: 14q22.2.
Variant type: single nucleotide variant.
Coding change: c.299C>A on transcript NM_000161.3 (MANE Select); coding-DNA position 299, C replaced by A.
Protein change: p.Ser100Ter; replaces serine 100 with a stop codon.
Molecular consequence: nonsense.
Genome position (GRCh38, 1-based): chr14:54,902,365, G>T on the plus strand (C>A on the coding strand, the complement: GCH1 is on the minus strand). VCF-style: chr14-54902365-G-T. GRCh37 (hg19) VCF-style: chr14-55369083-G-T.
Other names: c.299C>A, p.Ser100Ter (NM_001024024.2, NM_001024070.2, NM_001024071.2 and 1 more transcripts); short protein forms S100*.
Identifiers: ClinVar variation 4782898 (VCV004782898.1).